The following is an entry in ClinVar:

ClinVar aggregate classification (germline): Likely benign. Review status: criteria provided, multiple submitters, no conflicts (2 of 4 stars). 2 submissions from 2 submitters: Likely benign (2). Last evaluated 2026-04-21.

Conditions:
Long chain 3-hydroxyacyl-CoA dehydrogenase deficiency. Also called: Deficiency of long-chain 3-hydroxyacyl-coenzyme A dehydrogenase; LCHAD Deficiency. Identifiers: Orphanet 5, MedGen C3711645, MONDO:0012173, OMIM 609016.
Mitochondrial trifunctional protein deficiency. Identifiers: Orphanet 746, MedGen C1969443, MONDO:0012172.
HADHA-related disorder. Also called: HADHA-related condition; HADHA-related disorders.

gnomAD v4.1: 1 of 1,613,538 alleles (0.000062%); no homozygotes.

Submissions (2):

PreventionGenetics, part of Exact Sciences
Classification: Likely benign for HADHA-related condition. Last evaluated: 2026-04-21. Review status: criteria provided, single submitter. Criteria: ACMG Guidelines, 2015. Collection method: clinical testing. Allele origin: germline.
Comment: This variant is classified as likely benign based on ACMG/AMP sequence variant interpretation guidelines (Richards et al. 2015 PMID: 25741868, with internal and published modifications).

Labcorp Genetics (formerly Invitae), Labcorp
Classification: Likely benign for Mitochondrial trifunctional protein deficiency; Long chain 3-hydroxyacyl-CoA dehydrogenase deficiency. Last evaluated: 2023-10-27. Review status: criteria provided, single submitter. Criteria: Invitae Variant Classification Sherloc (09022015). Collection method: clinical testing. Allele origin: germline.

NM_000182.5(HADHA):c.345A>G (p.Glu115=)

Gene: HADHA (hydroxyacyl-CoA dehydrogenase trifunctional multienzyme complex subunit alpha; minus strand). Cytogenetic location: 2p23.3.
Variant type: single nucleotide variant.
Coding change: c.345A>G on transcript NM_000182.5 (MANE Select); coding-DNA position 345, A replaced by G.
Protein change: p.Glu115=; no amino-acid change (glutamic acid 115 retained).
Molecular consequence: synonymous variant.
Genome position (GRCh38, 1-based): chr2:26,234,325, T>C on the plus strand (A>G on the coding strand, the complement: HADHA is on the minus strand). VCF-style: chr2-26234325-T-C. GRCh37 (hg19) VCF-style: chr2-26457193-T-C.
Other names: c.345A>G (NM_000182.4).
Identifiers: ClinVar variation 2927701 (VCV002927701.4), dbSNP rs1670695483, ClinGen allele CA425201810.
Genomic context (GRCh38, chr2:26,234,325, plus strand): 5'-CTTTGTGGACTTTTCAAGTTTCTCAACTATTCTCTGTGCTTCTTGTGATAGCTGTGTTAC[T>C]TCTTGAAGGGTCTTGCAAGCGGCTAACATGCTGCATTATCCATAAAAGTAGAGAACAGAG-3'
Protein context (NP_000173.2, residues 105-125): NMLAACKTLQ[Glu115=]VTQLSQEAQR